The following is an entry in ClinVar:

ClinVar aggregate classification (germline): Uncertain significance. Review status: criteria provided, multiple submitters, no conflicts (2 of 4 stars). 2 submissions from 2 submitters: Uncertain significance (2). Last evaluated 2024-12-22.

Conditions:
Inborn genetic diseases. Identifiers: MedGen C0950123, MeSH D030342.
Cohen syndrome (COH1). Also called: Cutis verticis gyrata, retinitis pigmentosa, and sensorineural deafness; PEPPER SYNDROME. Identifiers: Orphanet 193, MedGen C0265223, MONDO:0008999, OMIM 216550.

Allele frequency attached by ClinVar (database versions not stated): gnomAD 0.00001; gnomAD exomes 0.00001 and 0.00002; TOPMed 0.00001; ExAC 0.00002.
gnomAD v4.1: 27 of 1,614,110 alleles (0.0017%); highest among the groups gnomAD compares: Non-Finnish European, 0.0023%; no homozygotes.

Submissions (2):

Ambry Genetics
Classification: Uncertain significance for Inborn genetic diseases. Last evaluated: 2024-12-22. Review status: criteria provided, single submitter. Criteria: Ambry Variant Classification Scheme 2023. Collection method: clinical testing. Allele origin: germline.

Labcorp Genetics (formerly Invitae), Labcorp
Classification: Uncertain significance for Cohen syndrome. Last evaluated: 2021-12-17. Review status: criteria provided, single submitter. Criteria: Invitae Variant Classification Sherloc (09022015). Collection method: clinical testing. Allele origin: germline.
Comment: This sequence change replaces glycine, which is neutral and non-polar, with arginine, which is basic and polar, at codon 2790 of the VPS13B protein (p.Gly2790Arg). This variant is present in population databases (rs750963582, gnomAD 0.003%). This variant has not been reported in the literature in individuals affected with VPS13B-related conditions. Algorithms developed to predict the effect of missense changes on protein structure and function are either unavailable or do not agree on the potential impact of this missense change (SIFT: "Not Available"; PolyPhen-2: "Probably Damaging"; Align-GVGD: "Not Available"). In summary, the available evidence is currently insufficient to determine the role of this variant in disease. Therefore, it has been classified as a Variant of Uncertain Significance.

NM_152564.5(VPS13B):c.8293G>A (p.Gly2765Arg)

Gene: VPS13B (vacuolar protein sorting 13 homolog B; plus strand). Cytogenetic location: 8q22.2.
Variant type: single nucleotide variant.
Coding change: c.8293G>A on transcript NM_152564.5 (MANE Select); coding-DNA position 8293, G replaced by A.
Protein change: p.Gly2765Arg; replaces glycine 2765 with arginine.
Molecular consequence: missense variant.
Genome position (GRCh38, 1-based): chr8:99,817,735, G>A. VCF-style: chr8-99817735-G-A. GRCh37 (hg19) VCF-style: chr8-100829963-G-A.
Other names: c.8368G>A (NM_017890.3); c.8368G>A, p.Gly2790Arg (NM_017890.5); short protein forms G2790R, G2765R.
Identifiers: ClinVar variation 1379307 (VCV001379307.4), dbSNP rs750963582, ClinGen allele CA4824419.
Genomic context (GRCh38, chr8:99,817,735, plus strand): 5'-AAATTGCCTTCGTACATACTAGAAAACAATGAACTGACGGAGCTGTGTGTGAAGGCCAAA[G>A]GAGATGAAGACTGGTCAAGAGATGTGTGCCTGGAATCCAAAGCCCCTGAGTACAGCATTG-3'
Protein context (NP_689777.3, residues 2755-2775): ELTELCVKAK[Gly2765Arg]DEDWSRDVCL